The following is an entry in ClinVar:

ClinVar aggregate classification (germline): Uncertain significance (1 of 4 stars; one submission).

Submission:

Labcorp Genetics (formerly Invitae), Labcorp
Classification: Uncertain significance. Last evaluated: 2022-06-28. Review status: criteria provided, single submitter. Criteria: Invitae Variant Classification Sherloc (09022015). Collection method: clinical testing. Allele origin: germline.
Comment: This variant has not been reported in the literature in individuals affected with IFITM5-related conditions. Algorithms developed to predict the effect of missense changes on protein structure and function are either unavailable or do not agree on the potential impact of this missense change (SIFT: "Deleterious"; PolyPhen-2: "Probably Damaging"; Align-GVGD: "Class C15"). In summary, the available evidence is currently insufficient to determine the role of this variant in disease. Therefore, it has been classified as a Variant of Uncertain Significance. This variant is not present in population databases (gnomAD no frequency). This sequence change replaces arginine, which is basic and polar, with proline, which is neutral and non-polar, at codon 64 of the IFITM5 protein (p.Arg64Pro).

NM_001025295.3(IFITM5):c.191G>C (p.Arg64Pro)

Genes: IFITM5 (interferon induced transmembrane protein 5; minus strand), LOC130005046 (ATAC-STARR-seq lymphoblastoid active region 4259; plus strand). Cytogenetic location: 11p15.5.
Variant type: single nucleotide variant.
Coding change: c.191G>C on transcript NM_001025295.3 (MANE Select); coding-DNA position 191, G replaced by C.
Protein change: p.Arg64Pro; replaces arginine 64 with proline.
Molecular consequence: missense variant.
Genome position (GRCh38, 1-based): chr11:298,709, C>G on the plus strand (G>C on the coding strand, the complement: IFITM5 is on the minus strand). VCF-style: chr11-298709-C-G. GRCh37 (hg19) VCF-style: chr11-298709-C-G.
Other names: short protein forms R64P.
Identifiers: ClinVar variation 1391428 (VCV001391428.6), dbSNP rs148174338, ClinGen allele CA378890427.